The following is an entry in ClinVar:

NM_001077446.4(TSEN34):c.*928A>G

Gene: TSEN34 (tRNA splicing endonuclease subunit 34; plus strand). Cytogenetic location: 19q13.42.
Variant type: single nucleotide variant.
Coding change: c.*928A>G on transcript NM_001077446.4 (MANE Select); 928 bases downstream of the stop codon, A replaced by G.
Molecular consequence: 3 prime UTR variant.
Genome position (GRCh38, 1-based): chr19:54,194,290, A>G. VCF-style: chr19-54194290-A-G. GRCh37 (hg19) VCF-style: chr19-54698145-A-G.
Other names: c.*928A>G (NM_001282332.2, NM_001386740.1, NM_024075.5); c.*619A>G (NM_001282333.2).
Identifiers: ClinVar variation 330144 (VCV000330144.6), dbSNP rs144441443, ClinGen allele CA309377936.

ClinVar aggregate classification (germline): Benign. Review status: criteria provided, multiple submitters, no conflicts (2 of 4 stars). 2 submissions from 2 submitters: Benign (2). Last evaluated 2018-01-12.

Conditions:
Pontoneocerebellar hypoplasia. Also called: Non-syndromic pontocerebellar hypoplasia; Pontocerebellar hypoplasia. Identifiers: Orphanet 98523, MedGen C1261175, MONDO:0020135.

Allele frequency attached by ClinVar (database versions not stated): 1000 Genomes Project 0.02596; 1000 Genomes Project 30x 0.02655; gnomAD 0.02975 and 0.03045; TOPMed 0.03136.

Submissions (2):

Illumina Laboratory Services, Illumina
Classification: Benign for Pontoneocerebellar hypoplasia. Last evaluated: 2018-01-12. Review status: criteria provided, single submitter. Criteria: ICSL Variant Classification Criteria 13 December 2019. Collection method: clinical testing. Allele origin: germline.
Comment: This variant was observed in the ICSL laboratory as part of a predisposition screen in an ostensibly healthy population. It had not been previously curated by ICSL or reported in the Human Gene Mutation Database (HGMD: prior to June 1st, 2018), and was therefore a candidate for classification through an automated scoring system. Utilizing variant allele frequency, disease prevalence and penetrance estimates, and inheritance mode, an automated score was calculated to assess if this variant is too frequent to cause the disease. Based on the score and internal cut-off values, a variant classified as benign is not then subjected to further curation. The score for this variant resulted in a classification of benign for this disease.

Breakthrough Genomics
Classification: Benign. Review status: criteria provided, single submitter. Criteria: ACMG Guidelines, 2015. Collection method: not provided. Allele origin: germline. Inheritance: Autosomal recessive inheritance. Affected: yes.